The following is an entry in ClinVar:

NM_001199753.2(CPT1C):c.2077C>A (p.Leu693Met)

Gene: CPT1C (carnitine palmitoyltransferase 1C; plus strand). Cytogenetic location: 19q13.33.
Variant type: single nucleotide variant.
Coding change: c.2077C>A on transcript NM_001199753.2 (MANE Select); coding-DNA position 2077, C replaced by A.
Protein change: p.Leu693Met; replaces leucine 693 with methionine.
Molecular consequence: missense variant. On other transcripts: non-coding transcript variant (1).
Genome position (GRCh38, 1-based): chr19:49,712,793, C>A. VCF-style: chr19-49712793-C-A. GRCh37 (hg19) VCF-style: chr19-50216050-C-A.
Other names: p.Leu682Met; c.2044C>A, p.Leu682Met (NM_001136052.3, NM_001378485.1); c.2077C>A, p.Leu693Met (NM_001199752.3, NM_001378483.1, NM_001378484.1 and 1 more transcripts); c.2143C>A, p.Leu715Met (NM_001378482.1); c.1942C>A, p.Leu648Met (NM_001378486.1, NM_001378488.1); c.1909C>A, p.Leu637Met (NM_001378487.1); short protein forms L682M, L693M, L637M, L648M, L715M.
Identifiers: ClinVar variation 703957 (VCV000703957.46), dbSNP rs79488403, ClinGen allele CA9582405.

ClinVar aggregate classification (germline): Benign/Likely benign. Review status: criteria provided, multiple submitters, no conflicts (2 of 4 stars). 6 submissions from 6 submitters: Benign (1); Likely benign (5). Last evaluated 2026-07-01.

Conditions:
Hereditary spastic paraplegia 73. Also called: Spastic paraplegia 73, autosomal dominant. Identifiers: Orphanet 444099, MedGen C5568981, MONDO:0014568, OMIM 616282.

Allele frequency attached by ClinVar (database versions not stated): 1000 Genomes Project 0.00080; 1000 Genomes Project 30x 0.00109; gnomAD 0.00351 and 0.00356; TOPMed 0.00382; ESP Exome Variant Server 0.00515.
gnomAD v4.1: 9,129 of 1,614,038 alleles (0.57%); highest among the groups gnomAD compares: Non-Finnish European, 0.7%; 46 homozygotes.

Submissions (6):

CeGaT Center for Human Genetics Tuebingen
Classification: Benign. Last evaluated: 2026-07-01. Review status: criteria provided, single submitter. Criteria: CeGaT Center For Human Genetics Tuebingen Variant Classification Criteria Version 2. Collection method: clinical testing. Allele origin: germline. Affected: yes. Observed: 7 variant alleles.
Comment: CPT1C: BS1, BS2

Labcorp Genetics (formerly Invitae), Labcorp
Classification: Likely benign for Hereditary spastic paraplegia 73. Last evaluated: 2026-01-22. Review status: criteria provided, single submitter. Criteria: Invitae Variant Classification Sherloc (09022015). Collection method: clinical testing. Allele origin: germline.

Mayo Clinic Laboratories, Mayo Clinic
Classification: Likely benign. Last evaluated: 2025-06-30. Review status: criteria provided, single submitter. Criteria: ACMG Guidelines, 2015. Collection method: clinical testing. Allele origin: germline. Observed: 7 variant alleles.
Comment: BA1, BS2

Blueprint Genetics
Classification: Likely benign. Last evaluated: 2024-11-27. Review status: criteria provided, single submitter. Criteria: ACMG Guidelines, 2015. Collection method: clinical testing. Allele origin: germline.

Mendelics
Classification: Likely benign. Last evaluated: 2019-05-28. Review status: criteria provided, single submitter. Criteria: Mendelics Assertion Criteria 2017. Collection method: clinical testing. Allele origin: unknown.

Breakthrough Genomics
Classification: Likely benign. Review status: criteria provided, single submitter. Criteria: ACMG Guidelines, 2015. Collection method: not provided. Allele origin: germline. Inheritance: Autosomal dominant inheritance. Affected: yes.